The following is an entry in ClinVar:

ClinVar aggregate classification (germline): Uncertain significance (1 of 4 stars; one submission).

Submission:

Ambry Genetics
Classification: Uncertain significance. Last evaluated: 2024-11-14. Review status: criteria provided, single submitter. Criteria: Ambry Variant Classification Scheme 2023. Collection method: clinical testing. Allele origin: germline.
Comment: The p.V104L variant (also known as c.310G>C), located in coding exon 3 of the ALPK2 gene, results from a G to C substitution at nucleotide position 310. The valine at codon 104 is replaced by leucine, an amino acid with highly similar properties. This amino acid position is conserved. In addition, the in silico prediction for this alteration is inconclusive. Based on the available evidence, the clinical significance of this variant remains unclear.

NM_052947.4(ALPK2):c.310G>C (p.Val104Leu)

Gene: ALPK2 (alpha kinase 2; minus strand). Cytogenetic location: 18q21.31.
Variant type: single nucleotide variant.
Coding change: c.310G>C on transcript NM_052947.4 (MANE Select); coding-DNA position 310, G replaced by C.
Protein change: p.Val104Leu; replaces valine 104 with leucine.
Molecular consequence: missense variant.
Genome position (GRCh38, 1-based): chr18:58,580,466, C>G on the plus strand (G>C on the coding strand, the complement: ALPK2 is on the minus strand). VCF-style: chr18-58580466-C-G. GRCh37 (hg19) VCF-style: chr18-56247698-C-G.
Other names: short protein forms V104L.
Identifiers: ClinVar variation 3532075 (VCV003532075.1).
Genomic context (GRCh38, chr18:58,580,466, plus strand): 5'-CCCTGTCCCTGTCATCTTCCAGGTTAGGAGACAATTGTGGGTTCTCTGATGAGCACTCAA[C>G]CTCAACGGAAGCAGAACAACAGATCATTCCAAAAGAGTTTTTAGCCGAGATTTGATAGAC-3'
Protein context (NP_443179.3, residues 94-114): GMICCSASVE[Val104Leu]ECSSENPQLS